The following is an entry in ClinVar:

NC_000008.10:g.(?_117574515)_(117878968_?)dup

Genes: EIF3H (eukaryotic translation initiation factor 3 subunit H; minus strand), RAD21 (RAD21 cohesin complex component; minus strand), UTP23 (UTP23 small subunit processome component; plus strand). Cytogenetic location: 8q23.3-24.11.
Variant type: Duplication.
Identifiers: ClinVar variation 1444166 (VCV001444166.6).

ClinVar aggregate classification (germline): Uncertain significance (1 of 4 stars; one submission).

Conditions:
Cornelia de Lange syndrome 4 (CDLS4). Also called: CORNELIA DE LANGE SYNDROME 4 WITH OR WITHOUT MIDLINE BRAIN DEFECTS; RAD21-Related Cornelia de Lange Syndrome. Identifiers: Orphanet 199, MedGen C3553517, MONDO:0013864, OMIM 614701.

Submission:

Labcorp Genetics (formerly Invitae), Labcorp
Classification: Uncertain significance for Cornelia de Lange syndrome 4. Last evaluated: 2022-08-25. Review status: criteria provided, single submitter. Criteria: Invitae Variant Classification Sherloc (09022015). Collection method: clinical testing. Allele origin: germline.
Comment: A copy number gain of the genomic region encompassing the full coding sequence of the RAD21 gene has been identified. The boundaries of this event are unknown as they extend beyond the assayed region for this gene and therefore may encompass additional genes. As the precise location of this event is unknown, it may be in tandem or it may be located elsewhere in the genome. This variant has not been reported in the literature in individuals affected with RAD21-related conditions. In summary, the available evidence is currently insufficient to determine the role of this variant in disease. Therefore, it has been classified as a Variant of Uncertain Significance.